The following is an entry in ClinVar:

NM_000203.5(IDUA):c.1317del (p.Ile440fs)

Gene: IDUA (alpha-L-iduronidase; plus strand). Cytogenetic location: 4p16.3.
Variant type: Deletion.
Coding change: c.1317del on transcript NM_000203.5 (MANE Select); coding-DNA position 1317, one base deleted (G; older notation c.1317delG).
Protein change: p.Ile440fs; shifts the reading frame from isoleucine 440.
Molecular consequence: frameshift variant. On other transcripts: non-coding transcript variant (1).
Genome position (GRCh38, 1-based): chr4:1,002,859, G deleted. VCF-style (leftmost placement, unchanged base first): chr4-1002858-TG-T. GRCh37 (hg19) VCF-style: chr4-996646-TG-T.
Other names: c.921del, p.Ile308fs (NM_001363576.1); short protein forms I440fs, I308fs.
Identifiers: ClinVar variation 4736212 (VCV004736212.1).

ClinVar aggregate classification (germline): Pathogenic (1 of 4 stars; one submission).

Conditions:
Mucopolysaccharidosis type 1. Also called: IDUA deficiency; MPS I; Mucopolysaccharidosis Type I. Identifiers: Orphanet 579, MedGen C0023786, MONDO:0001586.

Submission:

Labcorp Genetics (formerly Invitae), Labcorp
Classification: Pathogenic for Mucopolysaccharidosis type 1. Last evaluated: 2026-01-26. Review status: criteria provided, single submitter. Criteria: Invitae Variant Classification Sherloc (09022015). Collection method: clinical testing. Allele origin: germline.
Comment: This sequence change creates a premature translational stop signal (p.Ile440Serfs*17) in the IDUA gene. It is expected to result in an absent or disrupted protein product. Loss-of-function variants in IDUA are known to be pathogenic (PMID: 11735025, 21480867). This variant is not present in population databases (gnomAD no frequency). This variant has not been reported in the literature in individuals affected with IDUA-related conditions. For these reasons, this variant has been classified as Pathogenic.

Literature cited by the submitters: PubMed 11735025; PubMed 21480867.